The following is an entry in ClinVar:

NM_000052.7(ATP7A):c.4201G>C (p.Val1401Leu)

Gene: ATP7A (ATPase copper transporting alpha; plus strand). Cytogenetic location: Xq21.1.
Variant type: single nucleotide variant.
Coding change: c.4201G>C on transcript NM_000052.7 (MANE Select); coding-DNA position 4201, G replaced by C.
Protein change: p.Val1401Leu; replaces valine 1401 with leucine.
Molecular consequence: missense variant. On other transcripts: non-coding transcript variant (1).
Genome position (GRCh38, 1-based): chrX:78,045,547, G>C. VCF-style: chrX-78045547-G-C. GRCh37 (hg19) VCF-style: chrX-77301044-G-C.
Other names: p.Val1401Leu; c.3967G>C, p.Val1323Leu (NM_001282224.2); short protein forms V1401L, V1323L.
Identifiers: ClinVar variation 465122 (VCV000465122.72), dbSNP rs5959130, ClinGen allele CA10459517.

ClinVar aggregate classification (germline): Benign/Likely benign. Review status: criteria provided, multiple submitters, no conflicts (2 of 4 stars). 12 submissions from 12 submitters: Benign (6); Likely benign (2). 4 of the submissions do not count toward it. Last evaluated 2026-02-03.

Conditions:
Cutis laxa, X-linked (OHS). Also called: Occipital horn syndrome; EDS IX. Identifiers: Orphanet 198, MedGen C0268353, MONDO:0010572, OMIM 304150.
X-linked distal spinal muscular atrophy type 3. Also called: ATP7A-Related Distal Motor Neuropathy; SPINAL MUSCULAR ATROPHY, DISTAL, X-LINKED RECESSIVE; NEURONOPATHY, DISTAL HEREDITARY MOTOR, X-LINKED; NEUROPATHY, DISTAL HEREDITARY MOTOR, X-LINKED. Identifiers: Orphanet 139557, MedGen C1845359, MONDO:0010338, OMIM 300489.
Menkes kinky-hair syndrome (MNK). Also called: Menkes Disease; Copper transport disease; Classic Menkes Disease. Identifiers: Orphanet 565, MedGen C0022716, MONDO:0010651, OMIM 309400.
Inborn genetic diseases. Identifiers: MedGen C0950123, MeSH D030342.

Allele frequency attached by ClinVar (database versions not stated): gnomAD exomes 0.00045 and 0.00122; ExAC 0.00148; 1000 Genomes Project 30x 0.00187; 1000 Genomes Project 0.00212; gnomAD 0.00450 and 0.00500; TOPMed 0.00529; ESP Exome Variant Server 0.00597.
gnomAD v4.1: 1,023 of 1,208,322 alleles (0.085%); highest among the groups gnomAD compares: African/African-American, 1.6%; 4 homozygotes.

Submissions (12):

Labcorp Genetics (formerly Invitae), Labcorp
Classification: Benign for X-linked distal spinal muscular atrophy type 3; Cutis laxa, X-linked; Menkes kinky-hair syndrome. Last evaluated: 2026-02-03. Review status: criteria provided, single submitter. Criteria: Invitae Variant Classification Sherloc (09022015). Collection method: clinical testing. Allele origin: germline.

ARUP Laboratories, Molecular Genetics and Genomics, ARUP Laboratories
Classification: Benign. Last evaluated: 2025-04-30. Review status: criteria provided, single submitter. Criteria: ARUP Molecular Germline Variant Investigation Process 2024. Collection method: clinical testing. Allele origin: germline.

Blueprint Genetics
Classification: Likely benign. Last evaluated: 2024-08-06. Review status: criteria provided, single submitter. Criteria: ACMG Guidelines, 2015. Collection method: clinical testing. Allele origin: germline.

Mayo Clinic Laboratories, Mayo Clinic
Classification: Benign. Last evaluated: 2023-03-14. Review status: criteria provided, single submitter. Criteria: ACMG Guidelines, 2015. Collection method: clinical testing. Allele origin: germline. Observed: 5 variant alleles.
Comment: BS1, BS2

Fulgent Genetics
Classification: Likely benign for X-linked distal spinal muscular atrophy type 3; Cutis laxa, X-linked; Menkes kinky-hair syndrome. Last evaluated: 2021-09-27. Review status: criteria provided, single submitter. Criteria: ACMG Guidelines, 2015. Collection method: clinical testing. Allele origin: unknown.

GeneDx
Classification: Benign. Last evaluated: 2017-05-05. Review status: criteria provided, single submitter. Criteria: GeneDx Variant Classification (06012015). Collection method: clinical testing. Allele origin: germline. Affected: yes.
Comment: This variant is considered likely benign or benign based on one or more of the following criteria: it is a conservative change, it occurs at a poorly conserved position in the protein, it is predicted to be benign by multiple in silico algorithms, and/or has population frequency not consistent with disease.

Ambry Genetics
Classification: Benign for Inborn genetic diseases. Last evaluated: 2016-10-07. Review status: criteria provided, single submitter. Criteria: Ambry Variant Classification Scheme 2023. Collection method: clinical testing. Allele origin: germline.

Breakthrough Genomics
Classification: Benign. Review status: criteria provided, single submitter. Criteria: ACMG Guidelines, 2015. Collection method: not provided. Allele origin: germline. Inheritance: X-linked inheritance. Affected: yes.

Natera, Inc.
Classification: Benign for Distal spinal muscular atrophy, X-linked 3; Cutis laxa, X-linked; Menkes kinky-hair syndrome. Last evaluated: 2020-09-16. Review status: no assertion criteria provided. Collection method: clinical testing. Allele origin: germline. Not counted in ClinVar's aggregate classification.

Clinical Genetics DNA and cytogenetics Diagnostics Lab, Erasmus MC, Erasmus Medical Center
Classification: Benign. Review status: no assertion criteria provided. Collection method: clinical testing. Allele origin: germline. Affected: yes. Study: VKGL Data-share Consensus. Not counted in ClinVar's aggregate classification.

Clinical Genetics, Academic Medical Center
Classification: Benign. Review status: no assertion criteria provided. Collection method: clinical testing. Allele origin: germline. Affected: yes. Study: VKGL Data-share Consensus. Not counted in ClinVar's aggregate classification.

Laboratory of Diagnostic Genome Analysis, Leiden University Medical Center (LUMC)
Classification: Likely benign. Review status: no assertion criteria provided. Collection method: clinical testing. Allele origin: germline. Affected: yes. Study: VKGL Data-share Consensus. Not counted in ClinVar's aggregate classification.